The following is an entry in ClinVar:

NM_152564.5(VPS13B):c.8194del (p.Ala2731_Val2732insTer)

Gene: VPS13B (vacuolar protein sorting 13 homolog B; plus strand). Cytogenetic location: 8q22.2.
Variant type: Deletion.
Coding change: c.8194del on transcript NM_152564.5 (MANE Select); coding-DNA position 8194, one base deleted (G; older notation c.8194delG).
Protein change: p.Ala2731_Val2732insTer.
Molecular consequence: nonsense.
Genome position (GRCh38, 1-based): chr8:99,817,636, G deleted. VCF-style (leftmost placement, unchanged base first): chr8-99817635-TG-T. GRCh37 (hg19) VCF-style: chr8-100829863-TG-T.
Other names: c.8269del, p.Ala2756_Val2757insTer (NM_017890.5).
Identifiers: ClinVar variation 2846502 (VCV002846502.3), dbSNP rs2492005762, ClinGen allele CA2739265779.
Genomic context (GRCh38, chr8:99,817,635, plus strand): 5'-CTTGTCTCAAAGCATAGAACTAAAAGTCGTTCAGCATTACATTGGTCAAGATGGACAAGC[TG>T]TAGTTCGGGAACATTTTGACTGCCTCACAGCCAAACAGAAATTGCCTTCGTACATACTAG-3'

ClinVar aggregate classification (germline): Pathogenic (1 of 4 stars; one submission).

Conditions:
Cohen syndrome (COH1). Also called: Cutis verticis gyrata, retinitis pigmentosa, and sensorineural deafness; PEPPER SYNDROME. Identifiers: Orphanet 193, MedGen C0265223, MONDO:0008999, OMIM 216550.

Submission:

Labcorp Genetics (formerly Invitae), Labcorp
Classification: Pathogenic for Cohen syndrome. Last evaluated: 2023-03-17. Review status: criteria provided, single submitter. Criteria: Invitae Variant Classification Sherloc (09022015). Collection method: clinical testing. Allele origin: germline.
Comment: This variant is not present in population databases (gnomAD no frequency). This variant has not been reported in the literature in individuals affected with VPS13B-related conditions. For these reasons, this variant has been classified as Pathogenic. This sequence change creates a premature translational stop signal (p.Val2757*) in the VPS13B gene. It is expected to result in an absent or disrupted protein product. Loss-of-function variants in VPS13B are known to be pathogenic (PMID: 15141358, 16648375, 20461111).

Literature cited by the submitters: PubMed 15141358; PubMed 16648375; PubMed 20461111.